The following is an entry in ClinVar:

NM_000202.8(IDS):c.101C>T (p.Thr34Ile)

Gene: IDS (iduronate 2-sulfatase; minus strand). Cytogenetic location: Xq28.
Variant type: single nucleotide variant.
Coding change: c.101C>T on transcript NM_000202.8 (MANE Select); coding-DNA position 101, C replaced by T.
Protein change: p.Thr34Ile; replaces threonine 34 with isoleucine.
Molecular consequence: missense variant. On other transcripts: 5 prime UTR variant (1), non-coding transcript variant (1).
Genome position (GRCh38, 1-based): chrX:149,505,037, G>A on the plus strand (C>T on the coding strand, the complement: IDS is on the minus strand). VCF-style: chrX-149505037-G-A. GRCh37 (hg19) VCF-style: chrX-148586567-G-A.
Other names: c.-126C>T (NM_001166550.4); c.101C>T, p.Thr34Ile (NM_006123.5); c.101C>T (NM_000202.5); short protein forms T34I.
Identifiers: ClinVar variation 1802111 (VCV001802111.2), dbSNP rs1156672457, ClinGen allele CA414528121.

ClinVar aggregate classification (germline): Uncertain significance. Review status: criteria provided, multiple submitters, no conflicts (2 of 4 stars). 2 submissions from 2 submitters: Uncertain significance (2). Last evaluated 2026-08-17.

Conditions:
Inborn genetic diseases. Identifiers: MedGen C0950123, MeSH D030342.

Allele frequency attached by ClinVar (database versions not stated): gnomAD exomes below 0.00001; TOPMed below 0.00001.

Submissions (2):

Ambry Genetics
Classification: Uncertain significance for Inborn genetic diseases. Last evaluated: 2026-08-17. Review status: criteria provided, single submitter. Criteria: Ambry Variant Classification Scheme 2023. Collection method: clinical testing. Allele origin: germline.
Comment: The c.101C>T (p.T34I) alteration is located in exon 1 (coding exon 1) of the IDS gene. This alteration results from a C to T substitution at nucleotide position 101, causing the threonine (T) at amino acid position 34 to be replaced by an isoleucine (I). Based on data from gnomAD, the T allele has an overall frequency of 0.001% (1/179141) total alleles studied. The highest observed frequency was 0.001% (1/79100) of European (non-Finnish) alleles. Based on insufficient or conflicting evidence, the clinical significance of this alteration remains unclear.

GeneDx
Classification: Uncertain significance. Last evaluated: 2022-11-29. Review status: criteria provided, single submitter. Criteria: GeneDx Variant Classification Process June 2021. Collection method: clinical testing. Allele origin: germline. Affected: yes.
Comment: Not observed at significant frequency in large population cohorts (gnomAD); In silico analysis supports that this missense variant has a deleterious effect on protein structure/function; Has not been previously published as pathogenic or benign to our knowledge